The following is an entry in ClinVar:

NM_005732.4(RAD50):c.2933C>T (p.Thr978Ile)

Gene: RAD50 (RAD50 double strand break repair protein; plus strand). Cytogenetic location: 5q31.1.
Variant type: single nucleotide variant.
Coding change: c.2933C>T on transcript NM_005732.4 (MANE Select); coding-DNA position 2933, C replaced by T.
Protein change: p.Thr978Ile; replaces threonine 978 with isoleucine.
Molecular consequence: missense variant.
Genome position (GRCh38, 1-based): chr5:132,609,293, C>T. VCF-style: chr5-132609293-C-T. GRCh37 (hg19) VCF-style: chr5-131944985-C-T.
Other names: short protein forms T978I.
Identifiers: ClinVar variation 663271 (VCV000663271.10), dbSNP rs1581004845, ClinGen allele CA360960270.

ClinVar aggregate classification (germline): Uncertain significance. Review status: criteria provided, multiple submitters, no conflicts (2 of 4 stars). 2 submissions from 2 submitters: Uncertain significance (2). Last evaluated 2025-12-14.

Conditions:
Hereditary cancer-predisposing syndrome. Also called: Neoplastic Syndromes, Hereditary; Tumor predisposition; Hereditary neoplastic syndrome; Hereditary Cancer Syndrome. Identifiers: Orphanet 140162, MedGen C0027672, MeSH D009386, MONDO:0015356.

Submissions (2):

Ambry Genetics
Classification: Uncertain significance for Hereditary cancer-predisposing syndrome. Last evaluated: 2025-12-14. Review status: criteria provided, single submitter. Criteria: Ambry Variant Classification Scheme 2023. Collection method: clinical testing. Allele origin: germline.
Comment: The p.T978I variant (also known as c.2933C>T), located in coding exon 19 of the RAD50 gene, results from a C to T substitution at nucleotide position 2933. The threonine at codon 978 is replaced by isoleucine, an amino acid with similar properties. This amino acid position is conserved. In addition, this alteration is predicted to be tolerated by in silico analysis. Based on the available evidence, the clinical significance of this variant remains unclear.

Labcorp Genetics (formerly Invitae), Labcorp
Classification: Uncertain significance for Hereditary cancer-predisposing syndrome. Last evaluated: 2018-10-25. Review status: criteria provided, single submitter. Criteria: Invitae Variant Classification Sherloc (09022015). Collection method: clinical testing. Allele origin: germline.
Comment: In summary, the available evidence is currently insufficient to determine the role of this variant in disease. Therefore, it has been classified as a Variant of Uncertain Significance. Algorithms developed to predict the effect of missense changes on protein structure and function (SIFT, PolyPhen-2, Align-GVGD) all suggest that this variant is likely to be tolerated, but these predictions have not been confirmed by published functional studies and their clinical significance is uncertain. This variant has not been reported in the literature in individuals with RAD50-related disease. This variant is not present in population databases (ExAC no frequency). This sequence change replaces threonine with isoleucine at codon 978 of the RAD50 protein (p.Thr978Ile). The threonine residue is weakly conserved and there is a moderate physicochemical difference between threonine and isoleucine.